The following is an entry in ClinVar:

ClinVar aggregate classification (germline): Uncertain significance. Review status: criteria provided, multiple submitters, no conflicts (2 of 4 stars). 2 submissions from 2 submitters: Uncertain significance (2). Last evaluated 2021-07-01.

Conditions:
Cardiovascular phenotype. Identifiers: MedGen CN230736.

Submissions (2):

Ambry Genetics
Classification: Uncertain significance for Cardiovascular phenotype. Last evaluated: 2021-07-01. Review status: criteria provided, single submitter. Criteria: Ambry Variant Classification Scheme 2023. Collection method: clinical testing. Allele origin: germline.
Comment: The p.V587M variant (also known as c.1759G>A), located in coding exon 13 of the CACNB2 gene, results from a G to A substitution at nucleotide position 1759. The valine at codon 587 is replaced by methionine, an amino acid with highly similar properties. This amino acid position is conserved. In addition, this alteration is predicted to be tolerated by in silico analysis. Since supporting evidence is limited at this time, the clinical significance of this alteration remains unclear.

GeneDx
Classification: Uncertain significance. Last evaluated: 2018-09-12. Review status: criteria provided, single submitter. Criteria: GeneDx Variant Classification (06012015). Collection method: clinical testing. Allele origin: germline. Affected: yes.
Comment: The V587M variant of uncertain significance has been identified in the CACNB2 gene. This variant has not been published as pathogenic or been reported as benign to our knowledge. The V587M variant is not observed in large population cohorts (Lek et al., 2016). However, V587M is a conservative amino acid substitution, which is not likely to impact secondary protein structure as these residues share similar properties. Furthermore, in-silico analyses, including protein predictors and evolutionary conservation, support that this variant does not alter protein structure/function.Therefore, based on the currently available information, it is unclear whether this variant is pathogenic or benign.

NM_201596.3(CACNB2):c.1921G>A (p.Val641Met)

Gene: CACNB2 (calcium voltage-gated channel auxiliary subunit beta 2; plus strand). Cytogenetic location: 10p12.31.
Variant type: single nucleotide variant.
Coding change: c.1921G>A on transcript NM_201596.3 (MANE Select); coding-DNA position 1921, G replaced by A.
Protein change: p.Val641Met; replaces valine 641 with methionine.
Molecular consequence: missense variant.
Genome position (GRCh38, 1-based): chr10:18,539,662, G>A. VCF-style: chr10-18539662-G-A. GRCh37 (hg19) VCF-style: chr10-18828591-G-A.
Other names: p.V586M:GTG>ATG; c.1756G>A, p.Val586Met (NM_000724.4); c.1723G>A, p.Val575Met (NM_001167945.2); c.1642G>A, p.Val548Met (NM_001330060.2); c.1777G>A, p.Val593Met (NM_201570.3); c.1837G>A, p.Val613Met (NM_201571.4); c.1765G>A, p.Val589Met (NM_201572.4); c.1759G>A, p.Val587Met (NM_201590.3); and 2 more; short protein forms V586M, V587M, V641M, V593M, V548M, V589M, V617M, V603M.
Identifiers: ClinVar variation 190732 (VCV000190732.4), dbSNP rs786205786, ClinGen allele CA301871.